The following is an entry in ClinVar:

ClinVar aggregate classification (germline): Uncertain significance (1 of 4 stars; one submission).

Allele frequency attached by ClinVar (database versions not stated): gnomAD exomes below 0.00001.
gnomAD v4.1: 1 of 1,614,074 alleles (0.000062%); highest among the groups gnomAD compares: African/African-American, 0.0013%; no homozygotes.

Submission:

Labcorp Genetics (formerly Invitae), Labcorp
Classification: Uncertain significance. Last evaluated: 2023-10-13. Review status: criteria provided, single submitter. Criteria: Invitae Variant Classification Sherloc (09022015). Collection method: clinical testing. Allele origin: germline.
Comment: This sequence change replaces histidine, which is basic and polar, with glutamine, which is neutral and polar, at codon 1069 of the NLRP1 protein (p.His1069Gln). This variant is present in population databases (no rsID available, gnomAD 0.01%). This variant has not been reported in the literature in individuals affected with NLRP1-related conditions. An algorithm developed to predict the effect of missense changes on protein structure and function (PolyPhen-2) suggests that this variant is likely to be tolerated. In summary, the available evidence is currently insufficient to determine the role of this variant in disease. Therefore, it has been classified as a Variant of Uncertain Significance.

NM_033004.4(NLRP1):c.3207T>A (p.His1069Gln)

Gene: NLRP1 (NLR family pyrin domain containing 1; minus strand). Cytogenetic location: 17p13.2.
Variant type: single nucleotide variant.
Coding change: c.3207T>A on transcript NM_033004.4 (MANE Select); coding-DNA position 3207, T replaced by A.
Protein change: p.His1069Gln; replaces histidine 1069 with glutamine.
Molecular consequence: missense variant.
Genome position (GRCh38, 1-based): chr17:5,532,911, A>T on the plus strand (T>A on the coding strand, the complement: NLRP1 is on the minus strand). VCF-style: chr17-5532911-A-T. GRCh37 (hg19) VCF-style: chr17-5436231-A-T.
Other names: c.3219T>A, p.His1073Gln (NM_001033053.3); c.3207T>A, p.His1069Gln (NM_014922.5); c.3117T>A, p.His1039Gln (NM_033006.4, NM_033007.4); short protein forms H1069Q, H1039Q, H1073Q.
Identifiers: ClinVar variation 2798492 (VCV002798492.3), dbSNP rs1447791785, ClinGen allele CA397391612.